The following is an entry in ClinVar:

ClinVar aggregate classification (germline): Likely benign. Review status: criteria provided, multiple submitters, no conflicts (2 of 4 stars). 2 submissions from 2 submitters: Likely benign (2). Last evaluated 2022-08-16.

Conditions:
Seizures, benign familial infantile, 3 (BFIS3). Also called: Familial neonatal seizures; CONVULSIONS, BENIGN FAMILIAL INFANTILE, 3. Identifiers: Orphanet 140927, Orphanet 306, MedGen C1843140, MONDO:0011904, OMIM 607745.
Developmental and epileptic encephalopathy, 11 (DEE11). Also called: Early infantile epileptic encephalopathy 11. Identifiers: Orphanet 1934, MedGen C3150987, MONDO:0013388, OMIM 613721.

Allele frequency attached by ClinVar (database versions not stated): gnomAD exomes below 0.00001; TOPMed below 0.00001; ExAC 0.00001; gnomAD 0.00001.
gnomAD v4.1: 2 of 1,613,952 alleles (0.00012%); highest among the groups gnomAD compares: African/African-American, 0.0027%; no homozygotes.

Submissions (2):

Labcorp Genetics (formerly Invitae), Labcorp
Classification: Likely benign for Seizures, benign familial infantile, 3; Developmental and epileptic encephalopathy, 11. Last evaluated: 2022-08-16. Review status: criteria provided, single submitter. Criteria: Invitae Variant Classification Sherloc (09022015). Collection method: clinical testing. Allele origin: germline.

GeneDx
Classification: Likely benign. Last evaluated: 2016-06-28. Review status: criteria provided, single submitter. Criteria: GeneDx Variant Classification (06012015). Collection method: clinical testing. Allele origin: germline. Affected: yes.
Comment: This variant is considered likely benign or benign based on one or more of the following criteria: it is a conservative change, it occurs at a poorly conserved position in the protein, it is predicted to be benign by multiple in silico algorithms, and/or has population frequency not consistent with disease.

NM_001040142.2(SCN2A):c.2541A>T (p.Ser847=)

Gene: SCN2A (sodium voltage-gated channel alpha subunit 2; plus strand). Cytogenetic location: 2q24.3.
Variant type: single nucleotide variant.
Coding change: c.2541A>T on transcript NM_001040142.2 (MANE Select); coding-DNA position 2541, A replaced by T.
Protein change: p.Ser847=; no amino-acid change (serine 847 retained).
Molecular consequence: synonymous variant.
Genome position (GRCh38, 1-based): chr2:165,342,448, A>T. VCF-style: chr2-165342448-A-T. GRCh37 (hg19) VCF-style: chr2-166198958-A-T.
Other names: c.2541A>T, p.Ser847= (NM_001040143.2, NM_001371246.1, NM_001371247.1 and 1 more transcripts).
Identifiers: ClinVar variation 387243 (VCV000387243.12), dbSNP rs776618474, ClinGen allele CA1939988.